The following is an entry in ClinVar:

NM_002769.5(PRSS1):c.264C>G (p.Ile88Met)

Genes: TRB (T cell receptor beta locus; plus strand), PRSS1 (serine protease 1; plus strand). Cytogenetic location: 7q34.
Variant type: single nucleotide variant.
Coding change: c.264C>G on transcript NM_002769.5 (MANE Select); coding-DNA position 264, C replaced by G.
Protein change: p.Ile88Met; replaces isoleucine 88 with methionine.
Molecular consequence: missense variant.
Genome position (GRCh38, 1-based): chr7:142,751,837, C>G. VCF-style: chr7-142751837-C-G. GRCh37 (hg19) VCF-style: chr7-142459688-C-G.
Other names: short protein forms I88M.
Identifiers: ClinVar variation 857866 (VCV000857866.12), dbSNP rs199836666, ClinGen allele CA4529895.
Genomic context (GRCh38, chr7:142,751,837, plus strand): 5'-CATCCAGGTGAGACTGGGAGAGCACAACATCGAAGTCCTGGAGGGGAATGAGCAGTTCAT[C>G]AATGCAGCCAAGATCATCCGCCACCCCCAATACGACAGGAAGACTCTGAACAATGACATC-3'
Protein context (NP_002760.1, residues 78-98): IEVLEGNEQF[Ile88Met]NAAKIIRHPQ

ClinVar aggregate classification (germline): Uncertain significance. Review status: criteria provided, multiple submitters, no conflicts (2 of 4 stars). 2 submissions from 2 submitters: Uncertain significance (2). Last evaluated 2024-09-14.

Conditions:
Hereditary pancreatitis (PCTT). Also called: PRSS1-Related Hereditary Pancreatitis; Hereditary chronic pancreatitis. Identifiers: Orphanet 676, MedGen C0238339, MONDO:0008185, OMIM 167800.

Allele frequency attached by ClinVar (database versions not stated): gnomAD exomes below 0.00001 and 0.00001; ExAC 0.00001; gnomAD 0.00001; TOPMed 0.00001.
gnomAD v4.1: 4 of 1,614,012 alleles (0.00025%); highest among the groups gnomAD compares: Middle Eastern, 0.016%; no homozygotes.

Submissions (2):

Labcorp Genetics (formerly Invitae), Labcorp
Classification: Uncertain significance for Hereditary pancreatitis. Last evaluated: 2024-09-14. Review status: criteria provided, single submitter. Criteria: Invitae Variant Classification Sherloc (09022015). Collection method: clinical testing. Allele origin: germline.
Comment: This sequence change replaces isoleucine, which is neutral and non-polar, with methionine, which is neutral and non-polar, at codon 88 of the PRSS1 protein (p.Ile88Met). The frequency data for this variant in the population databases is considered unreliable, as metrics indicate poor data quality at this position in the gnomAD database. This variant has not been reported in the literature in individuals affected with PRSS1-related conditions. ClinVar contains an entry for this variant (Variation ID: 857866). Invitae Evidence Modeling of protein sequence and biophysical properties (such as structural, functional, and spatial information, amino acid conservation, physicochemical variation, residue mobility, and thermodynamic stability) indicates that this missense variant is not expected to disrupt PRSS1 protein function with a negative predictive value of 80%. In summary, the available evidence is currently insufficient to determine the role of this variant in disease. Therefore, it has been classified as a Variant of Uncertain Significance.

Ambry Genetics
Classification: Uncertain significance for Hereditary pancreatitis. Last evaluated: 2024-07-28. Review status: criteria provided, single submitter. Criteria: Ambry Variant Classification Scheme 2023. Collection method: clinical testing. Allele origin: germline.
Comment: The p.I88M variant (also known as c.264C>G), located in coding exon 3 of the PRSS1 gene, results from a C to G substitution at nucleotide position 264. The isoleucine at codon 88 is replaced by methionine, an amino acid with highly similar properties. This amino acid position is conserved. In addition, the in silico prediction for this alteration is inconclusive. Since supporting evidence is limited at this time, the clinical significance of this alteration remains unclear.